The following is an entry in ClinVar:

NM_024915.4(GRHL2):c.1376T>C (p.Leu459Ser)

Gene: GRHL2 (grainyhead like transcription factor 2; plus strand). Cytogenetic location: 8q22.3.
Variant type: single nucleotide variant.
Coding change: c.1376T>C on transcript NM_024915.4 (MANE Select); coding-DNA position 1376, T replaced by C.
Protein change: p.Leu459Ser; replaces leucine 459 with serine.
Molecular consequence: missense variant.
Genome position (GRCh38, 1-based): chr8:101,632,256, T>C. VCF-style: chr8-101632256-T-C. GRCh37 (hg19) VCF-style: chr8-102644484-T-C.
Other names: c.1376T>C (NM_024915.3); c.1328T>C, p.Leu443Ser (NM_001330593.2); short protein forms L459S, L443S.
Identifiers: ClinVar variation 596325 (VCV000596325.6), dbSNP rs770280108, ClinGen allele CA4830561.
Genomic context (GRCh38, chr8:101,632,256, plus strand): 5'-TCATTTATGAGTTTGTGTGATCCCATCCAGCCTCTGATGGGAAGTTGGCTGCCATACCTT[T>C]ACAGAAGAAGAGTGACATCACCTACTTCAAAACCATGCCTGATCTCCACTCACAGCCAGT-3'
Protein context (NP_079191.2, residues 449-469): SSDGKLAAIP[Leu459Ser]QKKSDITYFK

ClinVar aggregate classification (germline): Uncertain significance. Review status: criteria provided, multiple submitters, no conflicts (2 of 4 stars). 2 submissions from 2 submitters: Uncertain significance (2). Last evaluated 2025-04-18.

Conditions:
GRHL2-related disorder. Also called: GRHL2-related disorders; GRHL2-related condition.

Allele frequency attached by ClinVar (database versions not stated): gnomAD exomes below 0.00001 and 0.00001; ExAC 0.00001; gnomAD 0.00002; TOPMed 0.00005.
gnomAD v4.1: 8 of 1,613,932 alleles (0.0005%); highest among the groups gnomAD compares: African/African-American, 0.011%; no homozygotes.

Submissions (2):

PreventionGenetics, part of Exact Sciences
Classification: Uncertain significance for GRHL2-related condition. Last evaluated: 2025-04-18. Review status: criteria provided, single submitter. Criteria: ACMG Guidelines, 2015. Collection method: clinical testing. Allele origin: germline.
Comment: The GRHL2 c.1376T>C variant is predicted to result in the amino acid substitution p.Leu459Ser. To our knowledge, this variant has not been reported in the literature. This variant is reported in 0.018% of alleles in individuals of African descent in gnomAD. At this time, the clinical significance of this variant is uncertain due to the absence of conclusive functional and genetic evidence.

Eurofins Ntd Llc (ga)
Classification: Uncertain significance. Last evaluated: 2018-03-20. Review status: criteria provided, single submitter. Criteria: EGL ClinVar v180209 classification definitions. Collection method: clinical testing. Allele origin: germline. Observed: 1 variant allele, 1 heterozygote.